The following is an entry in ClinVar:

NM_001134232.2(TMEM106B):c.37A>G (p.Ser13Gly)

Gene: TMEM106B (transmembrane protein 106B; plus strand). Cytogenetic location: 7p21.3.
Variant type: single nucleotide variant.
Coding change: c.37A>G on transcript NM_001134232.2 (MANE Select); coding-DNA position 37, A replaced by G.
Protein change: p.Ser13Gly; replaces serine 13 with glycine.
Molecular consequence: missense variant.
Genome position (GRCh38, 1-based): chr7:12,214,847, A>G. VCF-style: chr7-12214847-A-G. GRCh37 (hg19) VCF-style: chr7-12254473-A-G.
Other names: c.37A>G, p.Ser13Gly (NM_018374.4); short protein forms S13G.
Identifiers: ClinVar variation 2013038 (VCV002013038.4), dbSNP rs2534902344, ClinGen allele CA366853511.

ClinVar aggregate classification (germline): Uncertain significance (1 of 4 stars; one submission).

Submission:

Labcorp Genetics (formerly Invitae), Labcorp
Classification: Uncertain significance. Last evaluated: 2022-07-01. Review status: criteria provided, single submitter. Criteria: Invitae Variant Classification Sherloc (09022015). Collection method: clinical testing. Allele origin: germline.
Comment: This variant is not present in population databases (gnomAD no frequency). This sequence change replaces serine, which is neutral and polar, with glycine, which is neutral and non-polar, at codon 13 of the TMEM106B protein (p.Ser13Gly). This variant has not been reported in the literature in individuals affected with TMEM106B-related conditions. In summary, the available evidence is currently insufficient to determine the role of this variant in disease. Therefore, it has been classified as a Variant of Uncertain Significance. Algorithms developed to predict the effect of sequence changes on RNA splicing suggest that this variant may disrupt the consensus splice site. Algorithms developed to predict the effect of missense changes on protein structure and function (SIFT, PolyPhen-2, Align-GVGD) all suggest that this variant is likely to be tolerated.